The following is an entry in ClinVar:

NM_014795.4(ZEB2):c.2677C>T (p.Pro893Ser)

Gene: ZEB2 (zinc finger E-box binding homeobox 2; minus strand). Cytogenetic location: 2q22.3.
Variant type: single nucleotide variant.
Coding change: c.2677C>T on transcript NM_014795.4 (MANE Select); coding-DNA position 2677, C replaced by T.
Protein change: p.Pro893Ser; replaces proline 893 with serine.
Molecular consequence: missense variant.
Genome position (GRCh38, 1-based): chr2:144,398,510, G>A on the plus strand (C>T on the coding strand, the complement: ZEB2 is on the minus strand). VCF-style: chr2-144398510-G-A. GRCh37 (hg19) VCF-style: chr2-145156077-G-A.
Other names: c.2605C>T, p.Pro869Ser (NM_001171653.2); short protein forms P869S, P893S.
Identifiers: ClinVar variation 2762626 (VCV002762626.3), dbSNP rs2549105765, ClinGen allele CA348707447.

ClinVar aggregate classification (germline): Uncertain significance (1 of 4 stars; one submission).

Conditions:
Mowat-Wilson syndrome (MOWS). Also called: Classic Mowat-Wilson Syndrome. Identifiers: Orphanet 2152, MedGen C1856113, MONDO:0009341, OMIM 235730.

Submission:

Labcorp Genetics (formerly Invitae), Labcorp
Classification: Uncertain significance for Mowat-Wilson syndrome. Last evaluated: 2023-09-22. Review status: criteria provided, single submitter. Criteria: Invitae Variant Classification Sherloc (09022015). Collection method: clinical testing. Allele origin: germline.
Comment: In summary, the available evidence is currently insufficient to determine the role of this variant in disease. Therefore, it has been classified as a Variant of Uncertain Significance. Advanced modeling of protein sequence and biophysical properties (such as structural, functional, and spatial information, amino acid conservation, physicochemical variation, residue mobility, and thermodynamic stability) performed at Invitae indicates that this missense variant is not expected to disrupt ZEB2 protein function. This variant has not been reported in the literature in individuals affected with ZEB2-related conditions. This variant is not present in population databases (gnomAD no frequency). This sequence change replaces proline, which is neutral and non-polar, with serine, which is neutral and polar, at codon 893 of the ZEB2 protein (p.Pro893Ser).